The following is an entry in ClinVar:

ClinVar aggregate classification (germline): Uncertain significance (1 of 4 stars; one submission).

Submission:

Mayo Clinic Laboratories, Mayo Clinic
Classification: Uncertain significance. Last evaluated: 2024-04-25. Review status: criteria provided, single submitter. Criteria: ACMG Guidelines, 2015. Collection method: clinical testing. Allele origin: germline. Observed: 1 variant allele.
Comment: PP3, PM2_moderate

NM_000552.5(VWF):c.872G>A (p.Cys291Tyr)

Gene: VWF (von Willebrand factor; minus strand). Cytogenetic location: 12p13.31.
Variant type: single nucleotide variant.
Coding change: c.872G>A on transcript NM_000552.5 (MANE Select); coding-DNA position 872, G replaced by A.
Protein change: p.Cys291Tyr; replaces cysteine 291 with tyrosine.
Molecular consequence: missense variant.
Genome position (GRCh38, 1-based): chr12:6,075,337, C>T on the plus strand (G>A on the coding strand, the complement: VWF is on the minus strand). VCF-style: chr12-6075337-C-T. GRCh37 (hg19) VCF-style: chr12-6184503-C-T.
Other names: p.Cys291Tyr; short protein forms C291Y.
Identifiers: ClinVar variation 3380080 (VCV003380080.1).